The following is an entry in ClinVar:

NM_005002.5(NDUFA9):c.1005A>G (p.Leu335=)

Gene: NDUFA9 (NADH:ubiquinone oxidoreductase subunit A9; plus strand). Cytogenetic location: 12p13.32.
Variant type: single nucleotide variant.
Coding change: c.1005A>G on transcript NM_005002.5 (MANE Select); coding-DNA position 1005, A replaced by G.
Protein change: p.Leu335=; no amino-acid change (leucine 335 retained).
Molecular consequence: synonymous variant.
Genome position (GRCh38, 1-based): chr12:4,686,979, A>G. VCF-style: chr12-4686979-A-G. GRCh37 (hg19) VCF-style: chr12-4796145-A-G.
Identifiers: ClinVar variation 383276 (VCV000383276.1), dbSNP rs746459711, ClinGen allele CA6398360.

ClinVar aggregate classification (germline): Likely benign (1 of 4 stars; one submission).

Allele frequency attached by ClinVar (database versions not stated): gnomAD exomes 0.00001; ExAC 0.00002; TOPMed below 0.00001.
gnomAD v4.1: 3 of 1,614,194 alleles (0.00019%); highest among the groups gnomAD compares: Admixed American, 0.005%; no homozygotes.

Submission:

GeneDx
Classification: Likely benign. Last evaluated: 2016-02-17. Review status: criteria provided, single submitter. Criteria: GeneDx Variant Classification (06012015). Collection method: clinical testing. Allele origin: germline. Affected: yes.
Comment: This variant is considered likely benign or benign based on one or more of the following criteria: it is a conservative change, it occurs at a poorly conserved position in the protein, it is predicted to be benign by multiple in silico algorithms, and/or has population frequency not consistent with disease.